The following is an entry in ClinVar:

NM_002500.5(NEUROD1):c.461C>G (p.Ser154Trp)

Gene: NEUROD1 (neuronal differentiation 1; minus strand). Cytogenetic location: 2q31.3.
Variant type: single nucleotide variant.
Coding change: c.461C>G on transcript NM_002500.5 (MANE Select); coding-DNA position 461, C replaced by G.
Protein change: p.Ser154Trp; replaces serine 154 with tryptophan.
Molecular consequence: missense variant.
Genome position (GRCh38, 1-based): chr2:181,678,400, G>C on the plus strand (C>G on the coding strand, the complement: NEUROD1 is on the minus strand). VCF-style: chr2-181678400-G-C. GRCh37 (hg19) VCF-style: chr2-182543127-G-C.
Other names: short protein forms S154W.
Identifiers: ClinVar variation 2097245 (VCV002097245.4), dbSNP rs1301587419, ClinGen allele CA349785020.
Genomic context (GRCh38, chr2:181,678,400, plus strand): 5'-TTGCAAAGCGTCTGAACGAAGGAGACCAGGTCTGGGCTTTTGCCTGAGCGCAGGATCTCC[G>C]ACAGAGCCCAGATGTAGTTCTTGGCCAAGCGCAGAGTCTCGATTTTGGACAGCTTCTGCG-3'
Protein context (NP_002491.3, residues 144-164): RLAKNYIWAL[Ser154Trp]EILRSGKSPD

ClinVar aggregate classification (germline): Uncertain significance (1 of 4 stars; one submission).

Submission:

Labcorp Genetics (formerly Invitae), Labcorp
Classification: Uncertain significance. Last evaluated: 2024-02-24. Review status: criteria provided, single submitter. Criteria: Invitae Variant Classification Sherloc (09022015). Collection method: clinical testing. Allele origin: germline.
Comment: This sequence change replaces serine, which is neutral and polar, with tryptophan, which is neutral and slightly polar, at codon 154 of the NEUROD1 protein (p.Ser154Trp). This variant is not present in population databases (gnomAD no frequency). This variant has not been reported in the literature in individuals affected with NEUROD1-related conditions. ClinVar contains an entry for this variant (Variation ID: 2097245). Advanced modeling of protein sequence and biophysical properties (such as structural, functional, and spatial information, amino acid conservation, physicochemical variation, residue mobility, and thermodynamic stability) performed at Invitae indicates that this missense variant is expected to disrupt NEUROD1 protein function with a positive predictive value of 80%. In summary, the available evidence is currently insufficient to determine the role of this variant in disease. Therefore, it has been classified as a Variant of Uncertain Significance.